The following is an entry in ClinVar:

NM_006361.6(HOXB13):c.169G>A (p.Ala57Thr)

Gene: HOXB13 (homeobox B13; minus strand). Cytogenetic location: 17q21.32.
Variant type: single nucleotide variant.
Coding change: c.169G>A on transcript NM_006361.6 (MANE Select); coding-DNA position 169, G replaced by A.
Protein change: p.Ala57Thr; replaces alanine 57 with threonine.
Molecular consequence: missense variant.
Genome position (GRCh38, 1-based): chr17:48,728,425, C>T on the plus strand (G>A on the coding strand, the complement: HOXB13 is on the minus strand). VCF-style: chr17-48728425-C-T. GRCh37 (hg19) VCF-style: chr17-46805787-C-T.
Other names: short protein forms A57T.
Identifiers: ClinVar variation 819804 (VCV000819804.12), dbSNP rs745306184, ClinGen allele CA400109001.

ClinVar aggregate classification (germline): Uncertain significance. Review status: criteria provided, multiple submitters, no conflicts (2 of 4 stars). 2 submissions from 2 submitters: Uncertain significance (2). Last evaluated 2025-06-22.

Conditions:
Hereditary cancer-predisposing syndrome. Also called: Neoplastic Syndromes, Hereditary; Tumor predisposition; Hereditary Cancer Syndrome; Hereditary neoplastic syndrome. Identifiers: Orphanet 140162, MedGen C0027672, MeSH D009386, MONDO:0015356.

Submissions (2):

Ambry Genetics
Classification: Uncertain significance for Hereditary cancer-predisposing syndrome. Last evaluated: 2025-06-22. Review status: criteria provided, single submitter. Criteria: Ambry Variant Classification Scheme 2023. Collection method: clinical testing. Allele origin: germline.
Comment: The p.A57T variant (also known as c.169G>A), located in coding exon 1 of the HOXB13 gene, results from a G to A substitution at nucleotide position 169. The alanine at codon 57 is replaced by threonine, an amino acid with similar properties. This amino acid position is not well conserved in available vertebrate species. In addition, this alteration is predicted to be tolerated by in silico analysis. Since supporting evidence is limited at this time, the clinical significance of this alteration remains unclear.

Labcorp Genetics (formerly Invitae), Labcorp
Classification: Uncertain significance. Last evaluated: 2025-02-17. Review status: criteria provided, single submitter. Criteria: Invitae Variant Classification Sherloc (09022015). Collection method: clinical testing. Allele origin: germline.
Comment: This sequence change replaces alanine, which is neutral and non-polar, with threonine, which is neutral and polar, at codon 57 of the HOXB13 protein (p.Ala57Thr). This variant is not present in population databases (gnomAD no frequency). This variant has not been reported in the literature in individuals affected with HOXB13-related conditions. ClinVar contains an entry for this variant (Variation ID: 819804). An algorithm developed to predict the effect of missense changes on protein structure and function (PolyPhen-2) suggests that this variant is likely to be tolerated. In summary, the available evidence is currently insufficient to determine the role of this variant in disease. Therefore, it has been classified as a Variant of Uncertain Significance.